The following is an entry in ClinVar:

NM_000535.7(PMS2):c.353+9A>C

Gene: PMS2 (PMS1 homolog 2, mismatch repair system component; minus strand). Cytogenetic location: 7p22.1.
Variant type: single nucleotide variant.
Coding change: c.353+9A>C on transcript NM_000535.7 (MANE Select); 9 bases into the intron after coding-DNA position 353, A replaced by C.
Molecular consequence: intron variant.
Genome position (GRCh38, 1-based): chr7:6,003,681, T>G on the plus strand (A>C on the coding strand, the complement: PMS2 is on the minus strand). VCF-style: chr7-6003681-T-G. GRCh37 (hg19) VCF-style: chr7-6043312-T-G.
Other names: c.35+291A>C (NM_001322008.2, NM_001322007.2); c.-53+9A>C (NM_001322010.2, NM_001322004.2, NM_001322013.2 and 3 more transcripts); c.-532+9A>C (NM_001322012.2, NM_001322011.2); c.-132+9A>C (NM_001322015.2); c.353+9A>C (NM_001322006.2, NM_001322014.2).
Identifiers: ClinVar variation 138706 (VCV000138706.28), dbSNP rs139990791, ClinGen allele CA011912.

ClinVar aggregate classification (germline): Benign/Likely benign. Review status: criteria provided, multiple submitters, no conflicts (2 of 4 stars). 13 submissions from 13 submitters: Benign (7); Likely benign (5). 1 of the submissions does not count toward it. Last evaluated 2026-02-03.

Conditions:
Hereditary nonpolyposis colorectal neoplasms. Identifiers: MedGen C0009405, MeSH D003123.
Hereditary cancer-predisposing syndrome. Also called: Tumor predisposition; Hereditary neoplastic syndrome; Neoplastic Syndromes, Hereditary; Hereditary Cancer Syndrome. Identifiers: Orphanet 140162, MedGen C0027672, MeSH D009386, MONDO:0015356.
Lynch syndrome. Identifiers: Orphanet 144, MedGen C4552100, MONDO:0005835. Disease mechanism: loss of function.
Lynch syndrome 4 (LYNCH4). Also called: Colorectal cancer, hereditary nonpolyposis, type 4; Hereditary non-polyposis colorectal cancer, type 4. Identifiers: Orphanet 144, MedGen C1838333, MONDO:0013699, OMIM 614337. Disease mechanism: loss of function.

Allele frequency attached by ClinVar (database versions not stated): gnomAD exomes 0.00009 and 0.00021; ExAC 0.00028; ESP Exome Variant Server 0.00081; gnomAD 0.00099 and 0.00100; TOPMed 0.00113; 1000 Genomes Project 30x 0.00187; 1000 Genomes Project 0.00220.
gnomAD v4.1: 284 of 1,475,262 alleles (0.019%); highest among the groups gnomAD compares: African/African-American, 0.36%; no homozygotes.

Submissions (13):

Labcorp Genetics (formerly Invitae), Labcorp
Classification: Benign for Hereditary nonpolyposis colorectal neoplasms. Last evaluated: 2026-02-03. Review status: criteria provided, single submitter. Criteria: Invitae Variant Classification Sherloc (09022015). Collection method: clinical testing. Allele origin: germline.

Blueprint Genetics
Classification: Likely benign. Last evaluated: 2024-07-29. Review status: criteria provided, single submitter. Criteria: ACMG Guidelines, 2015. Collection method: clinical testing. Allele origin: germline.

Department of Pathology and Laboratory Medicine, Sinai Health System
Classification: Likely benign for Lynch syndrome. Last evaluated: 2024-02-26. Review status: criteria provided, single submitter. Criteria: ACMG Guidelines, 2015. Collection method: clinical testing. Allele origin: germline. Affected: yes.

KCCC/NGS Laboratory, Kuwait Cancer Control Center
Classification: Benign for Lynch syndrome 4. Last evaluated: 2023-07-07. Review status: criteria provided, single submitter. Criteria: ACMG Guidelines, 2015. Collection method: clinical testing. Allele origin: germline. Affected: yes.

Myriad Genetics, Inc.
Classification: Benign for Lynch syndrome 4. Last evaluated: 2023-04-04. Review status: criteria provided, single submitter. Criteria: Myriad Autosomal Dominant, Autosomal Recessive and X-Linked Classification Criteria (2023). Collection method: clinical testing. Allele origin: unknown.
Comment: This variant is considered benign. This variant is intronic and is not expected to impact mRNA splicing. This variant has been observed at a population frequency that is significantly greater than expected given the associated disease prevalence and penetrance.

Sema4
Classification: Benign for Hereditary cancer-predisposing syndrome. Last evaluated: 2020-10-27. Review status: criteria provided, single submitter. Criteria: Sema4 Curation Guidelines. Collection method: curation. Allele origin: germline.

Eurofins Ntd Llc (ga)
Classification: Likely benign. Last evaluated: 2018-05-29. Review status: criteria provided, single submitter. Criteria: EGL ClinVar v180209 classification definitions. Collection method: clinical testing. Allele origin: germline. Observed: 1 variant allele, 1 homozygote.

Women's Health and Genetics/Laboratory Corporation of America, LabCorp
Classification: Benign. Last evaluated: 2017-08-16. Review status: criteria provided, single submitter. Criteria: LabCorp Variant Classification Summary - May 2015. Collection method: clinical testing. Allele origin: germline.
Comment: Variant summary: The PMS2 c.353+9A>C variant involves the alteration of a non-conserved intronic nucleotideand 5/5 splice prediction tools predict no significant impact on normal splicing. However, these predictions have yet to be confirmed by functional studies. This variant was found in 70/260874 control chromosomes, predominantly observed in the African subpopulation at a frequency of 0.002958 (67/22652). This frequency is about 26 times the estimated maximal expected allele frequency of a pathogenic PMS2 variant (0.0001136), suggesting this is likely a benign polymorphism found primarily in the populations of African origin. In addition, multiple clinical diagnostic laboratories classified this variant as "likely benign/benign." The variant of interest has not, to our knowledge, been reported in affected individuals via publications. Taken together, this variant is classified as benign.

PreventionGenetics, part of Exact Sciences
Classification: Benign. Last evaluated: 2016-12-30. Review status: criteria provided, single submitter. Criteria: ACMG Guidelines, 2015. Collection method: clinical testing. Allele origin: germline.

Genetic Services Laboratory, University of Chicago
Classification: Likely benign. Last evaluated: 2016-01-12. Review status: criteria provided, single submitter. Criteria: ACMG Guidelines, 2015. Collection method: clinical testing. Allele origin: germline. Affected: no.

Color Diagnostics, LLC DBA Color Health
Classification: Likely benign for Hereditary cancer-predisposing syndrome. Last evaluated: 2015-10-09. Review status: criteria provided, single submitter. Criteria: ACMG Guidelines, 2015. Collection method: clinical testing. Allele origin: germline.

GeneDx
Classification: Benign. Last evaluated: 2014-05-23. Review status: criteria provided, single submitter. Criteria: GeneDx Variant Classification (06012015). Collection method: clinical testing. Allele origin: germline. Affected: yes.
Comment: This variant is considered likely benign or benign based on one or more of the following criteria: it is a conservative change, it occurs at a poorly conserved position in the protein, it is predicted to be benign by multiple in silico algorithms, and/or has population frequency not consistent with disease.

Counsyl
Classification: Likely benign for Lynch syndrome 4. Last evaluated: 2015-12-04. Review status: no assertion criteria provided. Collection method: clinical testing. Allele origin: unknown. Not counted in ClinVar's aggregate classification.